The following is an entry in ClinVar:

NM_001379286.1(ZNF423):c.2244G>A (p.Ala748=)

Gene: ZNF423 (zinc finger protein 423; minus strand). Cytogenetic location: 16q12.1.
Variant type: single nucleotide variant.
Coding change: c.2244G>A on transcript NM_001379286.1 (MANE Select); coding-DNA position 2244, G replaced by A.
Protein change: p.Ala748=; no amino-acid change (alanine 748 retained).
Molecular consequence: synonymous variant.
Genome position (GRCh38, 1-based): chr16:49,636,932, C>T on the plus strand (G>A on the coding strand, the complement: ZNF423 is on the minus strand). VCF-style: chr16-49636932-C-T. GRCh37 (hg19) VCF-style: chr16-49670843-C-T.
Other names: c.2040G>A, p.Ala680= (NM_001271620.2); c.1869G>A, p.Ala623= (NM_001330533.2); c.2220G>A, p.Ala740= (NM_015069.5).
Identifiers: ClinVar variation 473058 (VCV000473058.11), dbSNP rs186112147, ClinGen allele CA8046543.

ClinVar aggregate classification (germline): Likely benign. Review status: criteria provided, multiple submitters, no conflicts (2 of 4 stars). 3 submissions from 3 submitters: Likely benign (3). Last evaluated 2026-07-01.

Conditions:
Nephronophthisis 14 (NPHP14). Identifiers: Orphanet 2318, MedGen C3539071, MONDO:0013916, OMIM 614844.

Allele frequency attached by ClinVar (database versions not stated): ExAC 0.00002; gnomAD exomes 0.00004 and 0.00008; gnomAD 0.00008; TOPMed 0.00014; 1000 Genomes Project 30x 0.00016; 1000 Genomes Project 0.00020.
gnomAD v4.1: 73 of 1,613,736 alleles (0.0045%); highest among the groups gnomAD compares: Admixed American, 0.028%; no homozygotes.

Submissions (3):

CeGaT Center for Human Genetics Tuebingen
Classification: Likely benign. Last evaluated: 2026-07-01. Review status: criteria provided, single submitter. Criteria: CeGaT Center For Human Genetics Tuebingen Variant Classification Criteria Version 2. Collection method: clinical testing. Allele origin: germline. Affected: yes. Observed: 1 variant allele.
Comment: ZNF423: BP4, BP7

Labcorp Genetics (formerly Invitae), Labcorp
Classification: Likely benign for Nephronophthisis 14. Last evaluated: 2025-11-11. Review status: criteria provided, single submitter. Criteria: Invitae Variant Classification Sherloc (09022015). Collection method: clinical testing. Allele origin: germline.

Blueprint Genetics
Classification: Likely benign. Last evaluated: 2022-02-28. Review status: criteria provided, single submitter. Criteria: ACMG Guidelines, 2015. Collection method: clinical testing. Allele origin: germline.